The following is an entry in ClinVar:

NM_031310.3(PLVAP):c.1296T>C (p.Pro432=)

Gene: PLVAP (plasmalemma vesicle associated protein; minus strand). Cytogenetic location: 19p13.11.
Variant type: single nucleotide variant.
Coding change: c.1296T>C on transcript NM_031310.3 (MANE Select); coding-DNA position 1296, T replaced by C.
Protein change: p.Pro432=; no amino-acid change (proline 432 retained).
Molecular consequence: synonymous variant.
Genome position (GRCh38, 1-based): chr19:17,360,554, A>G on the plus strand (T>C on the coding strand, the complement: PLVAP is on the minus strand). VCF-style: chr19-17360554-A-G. GRCh37 (hg19) VCF-style: chr19-17471363-A-G.
Other names: c.1296T>C (NM_031310.2).
Identifiers: ClinVar variation 1694906 (VCV001694906.37), dbSNP rs117401486, ClinGen allele CA9293806.

ClinVar aggregate classification (germline): Benign. Review status: criteria provided, multiple submitters, no conflicts (2 of 4 stars). 3 submissions from 3 submitters: Benign (2). 1 of the submissions does not count toward it. Last evaluated 2026-08-01.

Conditions:
PLVAP-related disorder. Also called: PLVAP-related condition.

Allele frequency attached by ClinVar (database versions not stated): 1000 Genomes Project 0.00579; 1000 Genomes Project 30x 0.00640; TOPMed 0.00781; gnomAD 0.00932 and 0.00950; gnomAD exomes 0.00969; ExAC 0.00975; ESP Exome Variant Server 0.01084.
gnomAD v4.1: 20,339 of 1,614,030 alleles (1.3%); highest among the groups gnomAD compares: Non-Finnish European, 1.5%; 185 homozygotes.

Submissions (3):

CeGaT Center for Human Genetics Tuebingen
Classification: Benign. Last evaluated: 2026-08-01. Review status: criteria provided, single submitter. Criteria: CeGaT Center For Human Genetics Tuebingen Variant Classification Criteria Version 2. Collection method: clinical testing. Allele origin: germline. Affected: yes. Observed: 6 variant alleles.
Comment: PLVAP: BP4, BP7, BS1, BS2

Labcorp Genetics (formerly Invitae), Labcorp
Classification: Benign. Last evaluated: 2026-02-02. Review status: criteria provided, single submitter. Criteria: Invitae Variant Classification Sherloc (09022015). Collection method: clinical testing. Allele origin: germline.

PreventionGenetics, part of Exact Sciences
Classification: Benign for PLVAP-related condition. Last evaluated: 2019-05-10. Review status: no assertion criteria provided. Collection method: clinical testing. Allele origin: germline. Not counted in ClinVar's aggregate classification.
Comment: This variant is classified as benign based on ACMG/AMP sequence variant interpretation guidelines (Richards et al. 2015 PMID: 25741868, with internal and published modifications).